The following is an entry in ClinVar:

NM_001080414.4(CCDC88C):c.267C>A (p.Tyr89Ter)

Gene: CCDC88C (coiled-coil and HOOK domain protein 88C; minus strand). Cytogenetic location: 14q32.12.
Variant type: single nucleotide variant.
Coding change: c.267C>A on transcript NM_001080414.4 (MANE Select); coding-DNA position 267, C replaced by A.
Protein change: p.Tyr89Ter; replaces tyrosine 89 with a stop codon.
Molecular consequence: nonsense. On other transcripts: non-coding transcript variant (2).
Genome position (GRCh38, 1-based): chr14:91,408,662, G>T on the plus strand (C>A on the coding strand, the complement: CCDC88C is on the minus strand). VCF-style: chr14-91408662-G-T. GRCh37 (hg19) VCF-style: chr14-91875006-G-T.
Other names: short protein forms Y89*.
Identifiers: ClinVar variation 4995515 (VCV004995515.1).

ClinVar aggregate classification (germline): Likely pathogenic (1 of 4 stars; one submission).

Conditions:
CCDC88C-related disorder. Also called: CCDC88C-related condition; CCDC88C-Related Disorders.

Submission:

PreventionGenetics, part of Exact Sciences
Classification: Likely pathogenic for CCDC88C-related condition. Last evaluated: 2026-05-23. Review status: criteria provided, single submitter. Criteria: ACMG Guidelines, 2015. Collection method: clinical testing. Allele origin: germline.
Comment: The CCDC88C c.267C>A variant is predicted to result in premature protein termination (p.Tyr89*). To our knowledge, this variant has not been reported in the literature or in a large population database (gnomAD), indicating this variant is rare. Other truncating variants in the surrounding region of this variant have been interpreted as likely pathogenic or pathogenic in the ClinVar (Variation ID: 2702855; Variation ID: 3576905; Variation ID: 2792516) or reported in the patients with hydrocephalus (HGMD database; Drielsma et al. 2012. PubMed ID: 23042809). Nonsense variants in CCDC88C are expected to be pathogenic. This variant is interpreted as likely pathogenic.